The following is an entry in ClinVar:

NM_020853.2(FAM234B):c.231C>T (p.Val77=)

Gene: FAM234B (family with sequence similarity 234 member B; plus strand). Cytogenetic location: 12p13.1.
Variant type: single nucleotide variant.
Coding change: c.231C>T on transcript NM_020853.2 (MANE Select); coding-DNA position 231, C replaced by T.
Protein change: p.Val77=; no amino-acid change (valine 77 retained).
Molecular consequence: synonymous variant.
Genome position (GRCh38, 1-based): chr12:13,055,744, C>T. VCF-style: chr12-13055744-C-T. GRCh37 (hg19) VCF-style: chr12-13208678-C-T.
Identifiers: ClinVar variation 3053369 (VCV003053369.2), dbSNP rs199998591, ClinGen allele CA6459441.

ClinVar aggregate classification (germline): Likely benign (0 of 4 stars; one submission).

Conditions:
FAM234B-related disorder. Also called: FAM234B-related condition.

Allele frequency attached by ClinVar (database versions not stated): gnomAD exomes 0.00018; gnomAD 0.00021; TOPMed 0.00025; ExAC 0.00051; 1000 Genomes Project 30x 0.00094; 1000 Genomes Project 0.00120.
gnomAD v4.1: 301 of 1,614,222 alleles (0.019%); highest among the groups gnomAD compares: East Asian, 0.63%; 1 homozygote.

Submission:

PreventionGenetics, part of Exact Sciences
Classification: Likely benign for FAM234B-related condition. Last evaluated: 2019-03-20. Review status: no assertion criteria provided. Collection method: clinical testing. Allele origin: germline.
Comment: This variant is classified as likely benign based on ACMG/AMP sequence variant interpretation guidelines (Richards et al. 2015 PMID: 25741868, with internal and published modifications).